The following is an entry in ClinVar:

ClinVar aggregate classification (germline): Benign/Likely benign. Review status: criteria provided, multiple submitters, no conflicts (2 of 4 stars). 7 submissions from 5 submitters: Benign (4); Likely benign (3). Last evaluated 2026-02-01.

Conditions:
Spondyloepiphyseal dysplasia, Kimberley type. Identifiers: Orphanet 93283, MedGen C1842149, MONDO:0012019, OMIM 608361.
Spondyloepimetaphyseal dysplasia, aggrecan type. Also called: SEMD, AGGRECAN TYPE. Identifiers: Orphanet 171866, MedGen C2748544, MONDO:0013014, OMIM 612813.
Short stature and advanced bone age, with or without early-onset osteoarthritis and/or osteochondritis dissecans (SSOAOD). Identifiers: Orphanet 251262, MedGen C3665488, MONDO:0100462, OMIM 165800.

Allele frequency attached by ClinVar (database versions not stated): 1000 Genomes Project 0.00200; 1000 Genomes Project 30x 0.00219; TOPMed 0.00604; gnomAD exomes 0.00701 and 0.00868; gnomAD 0.00715 and 0.00751; ExAC 0.00735; ESP Exome Variant Server 0.00819.
gnomAD v4.1: 13,651 of 1,603,810 alleles (0.85%); highest among the groups gnomAD compares: Non-Finnish European, 0.96%; 86 homozygotes.

Submissions (7):

Labcorp Genetics (formerly Invitae), Labcorp
Classification: Benign. Last evaluated: 2026-02-01. Review status: criteria provided, single submitter. Criteria: Invitae Variant Classification Sherloc (09022015). Collection method: clinical testing. Allele origin: germline.

CeGaT Center for Human Genetics Tuebingen
Classification: Likely benign. Last evaluated: 2025-10-01. Review status: criteria provided, single submitter. Criteria: CeGaT Center For Human Genetics Tuebingen Variant Classification Criteria Version 2. Collection method: clinical testing. Allele origin: germline. Affected: yes. Observed: 6 variant alleles.
Comment: ACAN: BP4, BP7, BS2

Genome-Nilou Lab
Classification: Benign for Short stature and advanced bone age, with or without early-onset osteoarthritis and/or osteochondritis dissecans. Last evaluated: 2021-12-05. Review status: criteria provided, single submitter. Criteria: ACMG Guidelines, 2015. Collection method: clinical testing. Allele origin: germline. Affected: no.

Genome-Nilou Lab
Classification: Benign for Spondyloepimetaphyseal dysplasia, aggrecan type. Last evaluated: 2021-12-05. Review status: criteria provided, single submitter. Criteria: ACMG Guidelines, 2015. Collection method: clinical testing. Allele origin: germline. Affected: no.

Genome-Nilou Lab
Classification: Benign for Spondyloepiphyseal dysplasia, Kimberley type. Last evaluated: 2021-12-05. Review status: criteria provided, single submitter. Criteria: ACMG Guidelines, 2015. Collection method: clinical testing. Allele origin: germline. Affected: no.

GeneDx
Classification: Likely benign. Last evaluated: 2018-07-14. Review status: criteria provided, single submitter. Criteria: GeneDx Variant Classification Process June 2021. Collection method: clinical testing. Allele origin: germline. Affected: yes.

Breakthrough Genomics
Classification: Likely benign. Review status: criteria provided, single submitter. Criteria: ACMG Guidelines, 2015. Collection method: not provided. Allele origin: germline. Inheritance: Autosomal recessive inheritance. Affected: yes.

NM_001369268.1(ACAN):c.438G>A (p.Leu146=)

Gene: ACAN (aggrecan; plus strand). Cytogenetic location: 15q26.1.
Variant type: single nucleotide variant.
Coding change: c.438G>A on transcript NM_001369268.1 (MANE Select); coding-DNA position 438, G replaced by A.
Protein change: p.Leu146=; no amino-acid change (leucine 146 retained).
Molecular consequence: synonymous variant.
Genome position (GRCh38, 1-based): chr15:88,839,030, G>A. VCF-style: chr15-88839030-G-A. GRCh37 (hg19) VCF-style: chr15-89382261-G-A.
Other names: c.438G>A, p.Leu146= (NM_001135.4, NM_013227.4).
Identifiers: ClinVar variation 774946 (VCV000774946.40), dbSNP rs35600223, ClinGen allele CA7719221.